The following is an entry in ClinVar:

NM_002292.4(LAMB2):c.3328-1G>C

Gene: LAMB2 (laminin subunit beta 2; minus strand). Cytogenetic location: 3p21.31.
Variant type: single nucleotide variant.
Coding change: c.3328-1G>C on transcript NM_002292.4 (MANE Select); the canonical splice acceptor site of the intron before coding-DNA position 3328, G replaced by C.
Molecular consequence: splice acceptor variant.
Genome position (GRCh38, 1-based): chr3:49,124,287, C>G on the plus strand (G>C on the coding strand, the complement: LAMB2 is on the minus strand). VCF-style: chr3-49124287-C-G. GRCh37 (hg19) VCF-style: chr3-49161720-C-G.
Identifiers: ClinVar variation 2115550 (VCV002115550.5), dbSNP rs2472538323, ClinGen allele CA352709827.

ClinVar aggregate classification (germline): Pathogenic/Likely pathogenic. Review status: criteria provided, multiple submitters, no conflicts (2 of 4 stars). 2 submissions from 2 submitters: Pathogenic (1); Likely pathogenic (1). Last evaluated 2024-03-07.

Conditions:
Pierson syndrome. Also called: MICROCORIA-CONGENITAL NEPHROTIC SYNDROME. Identifiers: Orphanet 2670, MedGen C1836876, MONDO:0012184, OMIM 609049.
LAMB2-related infantile-onset nephrotic syndrome. Also called: NEPHROTIC SYNDROME, TYPE 5, WITHOUT OCULAR ABNORMALITIES; NEPHROTIC SYNDROME, TYPE 5, WITH OCULAR ABNORMALITIES; Nephrotic Syndrome, type 5. Identifiers: Orphanet 306507, MedGen C3280113, MONDO:0013621, OMIM 614199.
LAMB2-related disorder. Also called: LAMB2-related condition.

Submissions (2):

Blueprint Genetics
Classification: Likely pathogenic for LAMB2-related disorders. Last evaluated: 2024-03-07. Review status: criteria provided, single submitter. Criteria: ACMG Guidelines, 2015. Collection method: clinical testing. Allele origin: germline. Affected: yes. Observed: 1 variant allele.

Labcorp Genetics (formerly Invitae), Labcorp
Classification: Pathogenic for LAMB2-related infantile-onset nephrotic syndrome; Pierson syndrome. Last evaluated: 2022-08-19. Review status: criteria provided, single submitter. Criteria: Invitae Variant Classification Sherloc (09022015). Collection method: clinical testing. Allele origin: germline.
Comment: For these reasons, this variant has been classified as Pathogenic. Algorithms developed to predict the effect of sequence changes on RNA splicing suggest that this variant may disrupt the consensus splice site. Disruption of this splice site has been observed in individual(s) with clinical features of congenital nephrotic syndrome (Invitae). In at least one individual the data is consistent with being in trans (on the opposite chromosome) from a pathogenic variant. This variant is not present in population databases (gnomAD no frequency). This sequence change affects an acceptor splice site in intron 22 of the LAMB2 gene. It is expected to disrupt RNA splicing. Variants that disrupt the donor or acceptor splice site typically lead to a loss of protein function (PMID: 16199547), and loss-of-function variants in LAMB2 are known to be pathogenic (PMID: 15367484).

Literature cited by the submitters: PubMed 16199547 (cited by Labcorp Genetics (formerly Invitae), Labcorp); PubMed 15367484 (cited by Labcorp Genetics (formerly Invitae), Labcorp).